The following is an entry in ClinVar:

NM_001242896.3(DEPDC5):c.3247A>C (p.Met1083Leu)

Gene: DEPDC5 (DEP domain containing 5, GATOR1 subcomplex subunit; plus strand). Cytogenetic location: 22q12.3.
Variant type: single nucleotide variant.
Coding change: c.3247A>C on transcript NM_001242896.3 (MANE Select); coding-DNA position 3247, A replaced by C.
Protein change: p.Met1083Leu; replaces methionine 1083 with leucine.
Molecular consequence: missense variant. On other transcripts: non-coding transcript variant (5).
Genome position (GRCh38, 1-based): chr22:31,857,536, A>C. VCF-style: chr22-31857536-A-C. GRCh37 (hg19) VCF-style: chr22-32253522-A-C.
Other names: c.3220A>C, p.Met1074Leu (NM_001136029.4, NM_001369903.1, NM_014662.6); c.3013A>C, p.Met1005Leu (NM_001242897.2, NM_001363854.2, NM_001364319.2); c.3247A>C, p.Met1083Leu (NM_001363852.2, NM_001364318.2, NM_001364320.2); c.3163A>C, p.Met1055Leu (NM_001369901.1, NM_001369902.1); short protein forms M1005L, M1083L, M1074L, M1055L.
Identifiers: ClinVar variation 579857 (VCV000579857.12), dbSNP rs768817912, ClinGen allele CA10196918.
Genomic context (GRCh38, chr22:31,857,536, plus strand): 5'-GGTGGGAAGAGCTCCGCCCAGTCAGCCGAGAGCAGCAGCGTTGCCATGACTCCCACCTAC[A>C]TGGACAGCCCACGAAAGGTAAAGGAAGCCGCGGTAGCAGGGAGCTGTTCTGTGCTCTCAG-3'
Protein context (NP_001229825.1, residues 1073-1093): SSSVAMTPTY[Met1083Leu]DSPRKDGAFF

ClinVar aggregate classification (germline): Uncertain significance. Review status: criteria provided, multiple submitters, no conflicts (2 of 4 stars). 2 submissions from 2 submitters: Uncertain significance (2). Last evaluated 2025-03-05.

Conditions:
Familial focal epilepsy with variable foci (FPEVF). Identifiers: Orphanet 98820, MedGen C1858477, MONDO:0020310.
Inborn genetic diseases. Identifiers: MedGen C0950123, MeSH D030342.

Allele frequency attached by ClinVar (database versions not stated): ExAC 0.00002; gnomAD exomes 0.00002; TOPMed 0.00002.

Submissions (2):

Labcorp Genetics (formerly Invitae), Labcorp
Classification: Uncertain significance for Familial focal epilepsy with variable foci. Last evaluated: 2025-03-05. Review status: criteria provided, single submitter. Criteria: Invitae Variant Classification Sherloc (09022015). Collection method: clinical testing. Allele origin: germline.
Comment: This sequence change replaces methionine, which is neutral and non-polar, with leucine, which is neutral and non-polar, at codon 1083 of the DEPDC5 protein (p.Met1083Leu). This variant is present in population databases (rs768817912, gnomAD 0.006%). This variant has not been reported in the literature in individuals affected with DEPDC5-related conditions. ClinVar contains an entry for this variant (Variation ID: 579857). An algorithm developed to predict the effect of missense changes on protein structure and function outputs the following: PolyPhen-2: "Not Available". The leucine amino acid residue is found in multiple mammalian species, which suggests that this missense change does not adversely affect protein function. In summary, the available evidence is currently insufficient to determine the role of this variant in disease. Therefore, it has been classified as a Variant of Uncertain Significance.

Ambry Genetics
Classification: Uncertain significance for Inborn genetic diseases. Last evaluated: 2018-07-12. Review status: criteria provided, single submitter. Criteria: Ambry Variant Classification Scheme 2023. Collection method: clinical testing. Allele origin: germline.
Comment: The p.M1083L variant (also known as c.3247A>C), located in coding exon 31 of the DEPDC5 gene, results from an A to C substitution at nucleotide position 3247. The methionine at codon 1083 is replaced by leucine, an amino acid with highly similar properties. This amino acid position is not well conserved in available vertebrate species. In addition, this alteration is predicted to be tolerated by in silico analysis. Since supporting evidence is limited at this time, the clinical significance of this alteration remains unclear.